The following is an entry in ClinVar:

ClinVar aggregate classification (germline): Uncertain significance (1 of 4 stars; one submission).

Allele frequency attached by ClinVar (database versions not stated): gnomAD 0.00001; TOPMed below 0.00001.
gnomAD v4.1: 2 of 1,614,014 alleles (0.00012%); highest among the groups gnomAD compares: African/African-American, 0.0027%; no homozygotes.

Submission:

Labcorp Genetics (formerly Invitae), Labcorp
Classification: Uncertain significance. Last evaluated: 2022-06-28. Review status: criteria provided, single submitter. Criteria: Invitae Variant Classification Sherloc (09022015). Collection method: clinical testing. Allele origin: germline.
Comment: This sequence change replaces lysine, which is basic and polar, with arginine, which is basic and polar, at codon 247 of the SLC45A2 protein (p.Lys247Arg). This variant is not present in population databases (gnomAD no frequency). This variant has not been reported in the literature in individuals affected with SLC45A2-related conditions. Algorithms developed to predict the effect of missense changes on protein structure and function output the following: SIFT: "Tolerated"; PolyPhen-2: "Benign"; Align-GVGD: "Class C0". The arginine amino acid residue is found in multiple mammalian species, which suggests that this missense change does not adversely affect protein function. In summary, the available evidence is currently insufficient to determine the role of this variant in disease. Therefore, it has been classified as a Variant of Uncertain Significance.

NM_016180.5(SLC45A2):c.740A>G (p.Lys247Arg)

Gene: SLC45A2 (solute carrier family 45 member 2; minus strand). Cytogenetic location: 5p13.2.
Variant type: single nucleotide variant.
Coding change: c.740A>G on transcript NM_016180.5 (MANE Select); coding-DNA position 740, A replaced by G.
Protein change: p.Lys247Arg; replaces lysine 247 with arginine.
Molecular consequence: missense variant. On other transcripts: intron variant (1).
Genome position (GRCh38, 1-based): chr5:33,963,839, T>C on the plus strand (A>G on the coding strand, the complement: SLC45A2 is on the minus strand). VCF-style: chr5-33963839-T-C. GRCh37 (hg19) VCF-style: chr5-33963944-T-C.
Other names: c.740A>G, p.Lys247Arg (NM_001012509.4); c.563-9335A>G (NM_001297417.4); short protein forms K247R.
Identifiers: ClinVar variation 2011879 (VCV002011879.1), dbSNP rs1420410793, ClinGen allele CA359393721.